The following is an entry in ClinVar:

ClinVar aggregate classification (germline): Benign. Review status: criteria provided, multiple submitters, no conflicts (2 of 4 stars). 3 submissions from 3 submitters: Benign (2). 1 of the submissions does not count toward it. Last evaluated 2019-12-31.

Conditions:
ITGA9-related disorder. Also called: ITGA9-related condition.

Allele frequency attached by ClinVar (database versions not stated): 1000 Genomes Project 0.02756; TOPMed 0.02761; ESP Exome Variant Server 0.02822; 1000 Genomes Project 30x 0.02936.
gnomAD v4.1: 8,422 of 1,613,906 alleles (0.52%); highest among the groups gnomAD compares: African/African-American, 8.3%; 274 homozygotes.

Submissions (3):

Labcorp Genetics (formerly Invitae), Labcorp
Classification: Benign. Last evaluated: 2019-12-31. Review status: criteria provided, single submitter. Criteria: Invitae Variant Classification Sherloc (09022015). Collection method: clinical testing. Allele origin: germline.

Breakthrough Genomics
Classification: Benign. Review status: criteria provided, single submitter. Criteria: ACMG Guidelines, 2015. Collection method: not provided. Allele origin: germline. Inheritance: Unknown mechanism. Affected: yes.

PreventionGenetics, part of Exact Sciences
Classification: Benign for ITGA9-related condition. Last evaluated: 2020-02-18. Review status: no assertion criteria provided. Collection method: clinical testing. Allele origin: germline. Not counted in ClinVar's aggregate classification.
Comment: This variant is classified as benign based on ACMG/AMP sequence variant interpretation guidelines (Richards et al. 2015 PMID: 25741868, with internal and published modifications).

NM_002207.3(ITGA9):c.294C>A (p.Thr98=)

Gene: ITGA9 (integrin subunit alpha 9; plus strand). Cytogenetic location: 3p22.2.
Variant type: single nucleotide variant.
Coding change: c.294C>A on transcript NM_002207.3 (MANE Select); coding-DNA position 294, C replaced by A.
Protein change: p.Thr98=; no amino-acid change (threonine 98 retained).
Molecular consequence: synonymous variant.
Genome position (GRCh38, 1-based): chr3:37,471,115, C>A. VCF-style: chr3-37471115-C-A. GRCh37 (hg19) VCF-style: chr3-37512606-C-A.
Identifiers: ClinVar variation 702082 (VCV000702082.7), dbSNP rs17036383, ClinGen allele CA2310361.